The following is an entry in ClinVar:

ClinVar aggregate classification (germline): Uncertain significance (1 of 4 stars; one submission).

Conditions:
CHARGE syndrome (CHARGE). Also called: Hittner Hirsch Kreh syndrome; CHARGE ASSOCIATION--COLOBOMA, HEART ANOMALY, CHOANAL ATRESIA, RETARDATION, GENITAL AND EAR ANOMALIES; Coloboma, heart anomaly, choanal atresia, retardation, genital and ear anomalies; CHARGE association; Hall-Hittner syndrome. Identifiers: Orphanet 138, MedGen C0265354, MONDO:0008965.

Submission:

Labcorp Genetics (formerly Invitae), Labcorp
Classification: Uncertain significance for CHARGE syndrome. Last evaluated: 2024-07-17. Review status: criteria provided, single submitter. Criteria: Invitae Variant Classification Sherloc (09022015). Collection method: clinical testing. Allele origin: germline.
Comment: This sequence change replaces asparagine, which is neutral and polar, with isoleucine, which is neutral and non-polar, at codon 317 of the CHD7 protein (p.Asn317Ile). This variant is not present in population databases (gnomAD no frequency). This variant has not been reported in the literature in individuals affected with CHD7-related conditions. Advanced modeling of protein sequence and biophysical properties (such as structural, functional, and spatial information, amino acid conservation, physicochemical variation, residue mobility, and thermodynamic stability) performed at Invitae indicates that this missense variant is not expected to disrupt CHD7 protein function with a negative predictive value of 95%. In summary, the available evidence is currently insufficient to determine the role of this variant in disease. Therefore, it has been classified as a Variant of Uncertain Significance.

NM_017780.4(CHD7):c.950A>T (p.Asn317Ile)

Gene: CHD7 (chromodomain helicase DNA binding protein 7; plus strand). Cytogenetic location: 8q12.2.
Variant type: single nucleotide variant.
Coding change: c.950A>T on transcript NM_017780.4 (MANE Select); coding-DNA position 950, A replaced by T.
Protein change: p.Asn317Ile; replaces asparagine 317 with isoleucine.
Molecular consequence: missense variant.
Genome position (GRCh38, 1-based): chr8:60,742,382, A>T. VCF-style: chr8-60742382-A-T. GRCh37 (hg19) VCF-style: chr8-61654941-A-T.
Other names: c.950A>T, p.Asn317Ile (NM_001316690.1); short protein forms N317I.
Identifiers: ClinVar variation 3637086 (VCV003637086.2).